The following is an entry in ClinVar:

NM_198060.4(NRAP):c.3239G>A (p.Arg1080Gln)

Gene: NRAP (nebulin related anchoring protein; minus strand). Cytogenetic location: 10q25.3.
Variant type: single nucleotide variant.
Coding change: c.3239G>A on transcript NM_198060.4 (MANE Select); coding-DNA position 3239, G replaced by A.
Protein change: p.Arg1080Gln; replaces arginine 1080 with glutamine.
Molecular consequence: missense variant.
Genome position (GRCh38, 1-based): chr10:113,614,244, C>T on the plus strand (G>A on the coding strand, the complement: NRAP is on the minus strand). VCF-style: chr10-113614244-C-T. GRCh37 (hg19) VCF-style: chr10-115374003-C-T.
Other names: c.3239G>A, p.Arg1080Gln (NM_001261463.2); c.3131G>A, p.Arg1044Gln (NM_001322945.2); c.3134G>A, p.Arg1045Gln (NM_006175.5); short protein forms R1044Q, R1045Q, R1080Q.
Identifiers: ClinVar variation 3042091 (VCV003042091.3), dbSNP rs141487184, ClinGen allele CA5694862.
Genomic context (GRCh38, chr10:113,614,244, plus strand): 5'-TCACTCTGCAGTGAGGTCGCATACACTGAATGTGCAAGGCTGATATCATCTTCCAAGCTC[C>T]GGGAACCAAGCATCTGTCCTTTCATTTTCTCAAATGCCTCTTTGTATTTGTACTAAAGGG-3'
Protein context (NP_932326.2, residues 1070-1090): EKMKGQMLGS[Arg1080Gln]SLEDDISLAH

ClinVar aggregate classification (germline): Likely benign. Review status: criteria provided, single submitter (1 of 4 stars). 2 submissions from 2 submitters: Likely benign (1). 1 of the submissions does not count toward it. Last evaluated 2024-11-22.

Conditions:
NRAP-related disorder. Also called: NRAP-related condition.

Allele frequency attached by ClinVar (database versions not stated): ESP Exome Variant Server 0.00031; TOPMed 0.00037; gnomAD 0.00038; gnomAD exomes 0.00040; 1000 Genomes Project 30x 0.00078; 1000 Genomes Project 0.00080; ExAC 0.00082.
gnomAD v4.1: 691 of 1,614,086 alleles (0.043%); highest among the groups gnomAD compares: South Asian, 0.26%; 2 homozygotes.

Submissions (2):

Blueprint Genetics
Classification: Likely benign. Last evaluated: 2024-11-22. Review status: criteria provided, single submitter. Criteria: ACMG Guidelines, 2015. Collection method: clinical testing. Allele origin: germline.

PreventionGenetics, part of Exact Sciences
Classification: Likely benign for NRAP-related condition. Last evaluated: 2019-05-16. Review status: no assertion criteria provided. Collection method: clinical testing. Allele origin: germline. Not counted in ClinVar's aggregate classification.
Comment: This variant is classified as likely benign based on ACMG/AMP sequence variant interpretation guidelines (Richards et al. 2015 PMID: 25741868, with internal and published modifications).